The following is an entry in ClinVar:

NM_022765.4(MICAL1):c.320G>A (p.Gly107Glu)

Gene: MICAL1 (microtubule associated monooxygenase, calponin and LIM domain containing 1; minus strand). Cytogenetic location: 6q21.
Variant type: single nucleotide variant.
Coding change: c.320G>A on transcript NM_022765.4 (MANE Select); coding-DNA position 320, G replaced by A.
Protein change: p.Gly107Glu; replaces glycine 107 with glutamic acid.
Molecular consequence: missense variant.
Genome position (GRCh38, 1-based): chr6:109,453,784, C>T on the plus strand (G>A on the coding strand, the complement: MICAL1 is on the minus strand). VCF-style: chr6-109453784-C-T. GRCh37 (hg19) VCF-style: chr6-109774987-C-T.
Other names: c.320G>A, p.Gly107Glu (NM_001159291.2); c.377G>A, p.Gly126Glu (NM_001286613.2); short protein forms G107E, G126E.
Identifiers: ClinVar variation 3684162 (VCV003684162.2).

ClinVar aggregate classification (germline): Uncertain significance (1 of 4 stars; one submission).

Submission:

Labcorp Genetics (formerly Invitae), Labcorp
Classification: Uncertain significance. Last evaluated: 2024-08-14. Review status: criteria provided, single submitter. Criteria: Invitae Variant Classification Sherloc (09022015). Collection method: clinical testing. Allele origin: germline.
Comment: This sequence change replaces glycine, which is neutral and non-polar, with glutamic acid, which is acidic and polar, at codon 126 of the MICAL1 protein (p.Gly126Glu). This variant is not present in population databases (gnomAD no frequency). This variant has not been reported in the literature in individuals affected with MICAL1-related conditions. An algorithm developed to predict the effect of missense changes on protein structure and function (PolyPhen-2) suggests that this variant is likely to be disruptive. In summary, the available evidence is currently insufficient to determine the role of this variant in disease. Therefore, it has been classified as a Variant of Uncertain Significance.